The following is an entry in ClinVar:

NM_032242.4(PLXNA1):c.33C>T (p.Leu11=)

Gene: PLXNA1 (plexin A1; plus strand). Cytogenetic location: 3q21.3.
Variant type: single nucleotide variant.
Coding change: c.33C>T on transcript NM_032242.4 (MANE Select); coding-DNA position 33, C replaced by T.
Protein change: p.Leu11=; no amino-acid change (leucine 11 retained).
Molecular consequence: synonymous variant.
Genome position (GRCh38, 1-based): chr3:126,988,626, C>T. VCF-style: chr3-126988626-C-T. GRCh37 (hg19) VCF-style: chr3-126707469-C-T.
Other names: c.33C>T (NM_032242.3).
Identifiers: ClinVar variation 2045806 (VCV002045806.6), dbSNP rs373455804, ClinGen allele CA2592883.

ClinVar aggregate classification (germline): Likely benign. Review status: criteria provided, single submitter (1 of 4 stars). 2 submissions from 2 submitters: Likely benign (1). 1 of the submissions does not count toward it. Last evaluated 2025-12-06.

Conditions:
PLXNA1-related disorder. Also called: PLXNA1-related condition.

Allele frequency attached by ClinVar (database versions not stated): ESP Exome Variant Server 0.00016; gnomAD 0.00025; TOPMed 0.00028; gnomAD exomes 0.00043; ExAC 0.00077; 1000 Genomes Project 30x 0.00016.

Submissions (2):

Labcorp Genetics (formerly Invitae), Labcorp
Classification: Likely benign. Last evaluated: 2025-12-06. Review status: criteria provided, single submitter. Criteria: Invitae Variant Classification Sherloc (09022015). Collection method: clinical testing. Allele origin: germline.

PreventionGenetics, part of Exact Sciences
Classification: Likely benign for PLXNA1-related condition. Last evaluated: 2022-01-31. Review status: no assertion criteria provided. Collection method: clinical testing. Allele origin: germline. Not counted in ClinVar's aggregate classification.
Comment: This variant is classified as likely benign based on ACMG/AMP sequence variant interpretation guidelines (Richards et al. 2015 PMID: 25741868, with internal and published modifications).